The following is an entry in ClinVar:

NM_000384.3(APOB):c.3159T>C (p.Tyr1053=)

Gene: APOB (apolipoprotein B; minus strand). Cytogenetic location: 2p24.1.
Variant type: single nucleotide variant.
Coding change: c.3159T>C on transcript NM_000384.3 (MANE Select); coding-DNA position 3159, T replaced by C.
Protein change: p.Tyr1053=; no amino-acid change (tyrosine 1053 retained).
Molecular consequence: synonymous variant.
Genome position (GRCh38, 1-based): chr2:21,016,612, A>G on the plus strand (T>C on the coding strand, the complement: APOB is on the minus strand). VCF-style: chr2-21016612-A-G. GRCh37 (hg19) VCF-style: chr2-21239484-A-G.
Other names: c.3159T>C (NM_000384.2).
Identifiers: ClinVar variation 3392985 (VCV003392985.2).
Genomic context (GRCh38, chr2:21,016,612, plus strand): 5'-GAGGTCAACATCAAAATCCGGAATTTGGACTTCACTGGACAAGGTCATACTCTGCCGATT[A>G]TATTTGAATGTCATGGTAGCCTCAGTCTGCTTCGCACCTGGACGAGTGTATAAGAGAATC-3'
Protein context (NP_000375.3, residues 1043-1063): KQTEATMTFK[Tyr1053=]NRQSMTLSSE

ClinVar aggregate classification (germline): Likely benign. Review status: criteria provided, multiple submitters, no conflicts (2 of 4 stars). 2 submissions from 2 submitters: Likely benign (2). Last evaluated 2025-12-02.

Conditions:
Familial hypercholesterolemia. Also called: Familial hypercholesterolaemia. Identifiers: MedGen C0020445, MONDO:0005439.
Cardiovascular phenotype. Identifiers: MedGen CN230736.

gnomAD v4.1: 1 of 1,612,102 alleles (0.000062%); no homozygotes.

Submissions (2):

Ambry Genetics
Classification: Likely benign for Cardiovascular phenotype. Last evaluated: 2025-12-02. Review status: criteria provided, single submitter. Criteria: Ambry Variant Classification Scheme 2023. Collection method: clinical testing. Allele origin: germline.

GENinCode PLC
Classification: Likely benign for Familial hypercholesterolemia. Last evaluated: 2023-02-10. Review status: criteria provided, single submitter. Criteria: ACMG Guidelines, 2015. Collection method: clinical testing. Allele origin: germline.
Comment: This is a synonymous (silent) variant that is not predicted by SpliceAI to impact splicing. In addition, it occurs at a nucleotide that is not conserved. Therefore this variant has been classified as Likely Benign (BP4, BP7).